The following is an entry in ClinVar:

NM_025114.4(CEP290):c.2929A>G (p.Arg977Gly)

Gene: CEP290 (centrosomal protein 290; minus strand). Cytogenetic location: 12q21.32.
Variant type: single nucleotide variant.
Coding change: c.2929A>G on transcript NM_025114.4 (MANE Select); coding-DNA position 2929, A replaced by G.
Protein change: p.Arg977Gly; replaces arginine 977 with glycine.
Molecular consequence: missense variant.
Genome position (GRCh38, 1-based): chr12:88,102,900, T>C on the plus strand (A>G on the coding strand, the complement: CEP290 is on the minus strand). VCF-style: chr12-88102900-T-C. GRCh37 (hg19) VCF-style: chr12-88496677-T-C.
Other names: c.2929A>G (NM_025114.3); short protein forms R977G.
Identifiers: ClinVar variation 1523974 (VCV001523974.5), dbSNP rs765840717, ClinGen allele CA6712239.

ClinVar aggregate classification (germline): Uncertain significance. Review status: criteria provided, multiple submitters, no conflicts (2 of 4 stars). 3 submissions from 3 submitters: Uncertain significance (3). Last evaluated 2026-09-22.

Conditions:
Joubert syndrome. Also called: Familial aplasia of the vermis; JOUBERT-BOLTSHAUSER SYNDROME. Identifiers: Orphanet 475, MedGen C5979921, MONDO:0018772.
Meckel-Gruber syndrome. Also called: Dysencephalia splachnocystica; DYSENCEPHALIA SPLANCHNOCYSTICA; GRUBER SYNDROME. Identifiers: Orphanet 564, MedGen C0265215, MONDO:0018921.
Nephronophthisis. Also called: Juvenile Nephronophthisis. Identifiers: Orphanet 655, MedGen C0687120, MONDO:0019005, HP:0000090.
CEP290-related disorder. Also called: CEP290-related disorders; CEP290-related condition. Identifiers: MedGen CN239314.

gnomAD v4.1: 4 of 1,611,424 alleles (0.00025%); highest among the groups gnomAD compares: Admixed American, 0.0067%; no homozygotes.

Submissions (3):

PreventionGenetics, part of Exact Sciences
Classification: Uncertain significance for CEP290-related condition. Last evaluated: 2026-09-22. Review status: criteria provided, single submitter. Criteria: ACMG Guidelines, 2015. Collection method: clinical testing. Allele origin: germline.
Comment: The CEP290 c.2929A>G variant is predicted to result in the amino acid substitution p.Arg977Gly. This variant has been previously reported in the compound heterozygous state in an individual with retinitis pigmentosa (Bravo-Gil et al. 2017. PubMed ID: 28157192). This variant is reported in 0.0059% of alleles in individuals of Latino descent in gnomAD. At this time, the clinical significance of this variant is uncertain due to the absence of conclusive functional and genetic evidence.

Women's Health and Genetics/Laboratory Corporation of America, LabCorp
Classification: Uncertain significance. Last evaluated: 2024-10-14. Review status: criteria provided, single submitter. Criteria: LabCorp Variant Classification Summary - May 2015. Collection method: clinical testing. Allele origin: germline.
Comment: Variant summary: CEP290 c.2929A>G (p.Arg977Gly) results in a non-conservative amino acid change in the encoded protein sequence. Four of five in-silico tools predict a damaging effect of the variant on protein function. The variant allele was found at a frequency of 8.1e-06 in 246708 control chromosomes. The available data on variant occurrences in the general population are insufficient to allow any conclusion about variant significance. c.2929A>G has been reported in the literature in a compound heterozygous individual affected with Retinitis Pigmentosa (ravo-Gil_2017). These data do not allow any conclusion about variant significance. To our knowledge, no experimental evidence demonstrating an impact on protein function has been reported. The following publication have been ascertained in the context of this evaluation (PMID: 28157192). ClinVar contains an entry for this variant (Variation ID: 1523974). Based on the evidence outlined above, the variant was classified as uncertain significance.

Labcorp Genetics (formerly Invitae), Labcorp
Classification: Uncertain significance for Joubert syndrome; Meckel-Gruber syndrome; Nephronophthisis. Last evaluated: 2021-12-06. Review status: criteria provided, single submitter. Criteria: Invitae Variant Classification Sherloc (09022015). Collection method: clinical testing. Allele origin: germline.
Comment: This sequence change replaces arginine, which is basic and polar, with glycine, which is neutral and non-polar, at codon 977 of the CEP290 protein (p.Arg977Gly). This variant is present in population databases (rs765840717, gnomAD 0.006%). This missense change has been observed in individual(s) with inherited retinal dystrophy (PMID: 28157192). Algorithms developed to predict the effect of missense changes on protein structure and function are either unavailable or do not agree on the potential impact of this missense change (SIFT: "Tolerated"; PolyPhen-2: "Probably Damaging"; Align-GVGD: "Class C0"). In summary, the available evidence is currently insufficient to determine the role of this variant in disease. Therefore, it has been classified as a Variant of Uncertain Significance.

Literature cited by the submitters: PubMed 28157192 (cited by Women's Health and Genetics/Laboratory Corporation of America, LabCorp and Labcorp Genetics (formerly Invitae), Labcorp).